The following is an entry in ClinVar:

NM_004453.4(ETFDH):c.453dup (p.Glu152fs)

Gene: ETFDH (electron transfer flavoprotein dehydrogenase; plus strand). Cytogenetic location: 4q32.1.
Variant type: Duplication.
Coding change: c.453dup on transcript NM_004453.4 (MANE Select); coding-DNA position 453, one base duplicated (A; older notation c.453dupA).
Protein change: p.Glu152fs; shifts the reading frame from glutamic acid 152.
Molecular consequence: frameshift variant.
Genome position (GRCh38, 1-based): chr4:158,684,639, A duplicated. VCF-style (leftmost placement, unchanged base first): chr4-158684638-C-CA. GRCh37 (hg19) VCF-style: chr4-159605790-C-CA.
Other names: c.312dup, p.Glu105fs (NM_001281737.2); c.270dup, p.Glu91fs (NM_001281738.1); short protein forms E105fs, E91fs, E152fs.
Identifiers: ClinVar variation 4735931 (VCV004735931.1).

ClinVar aggregate classification (germline): Pathogenic (1 of 4 stars; one submission).

Conditions:
Multiple acyl-CoA dehydrogenase deficiency (MADD). Also called: Glutaric aciduria, type 2; ETHYLMALONIC-ADIPICACIDURIA; GA II; Glutaric acidemia type II; GA 2; Glutaric Acidemia type 2. Identifiers: Orphanet 26791, MedGen C0268596, MONDO:0009282, OMIM 231680.

Submission:

Labcorp Genetics (formerly Invitae), Labcorp
Classification: Pathogenic for Multiple acyl-CoA dehydrogenase deficiency. Last evaluated: 2026-01-21. Review status: criteria provided, single submitter. Criteria: Invitae Variant Classification Sherloc (09022015). Collection method: clinical testing. Allele origin: germline.
Comment: This sequence change creates a premature translational stop signal (p.Glu152Argfs*17) in the ETFDH gene. It is expected to result in an absent or disrupted protein product. Loss-of-function variants in ETFDH are known to be pathogenic (PMID: 16510302, 23785301). This variant is not present in population databases (gnomAD no frequency). This variant has not been reported in the literature in individuals affected with ETFDH-related conditions. For these reasons, this variant has been classified as Pathogenic.

Literature cited by the submitters: PubMed 16510302; PubMed 23785301.